The following is an entry in ClinVar:

NM_001080467.3(MYO5B):c.5282G>A (p.Cys1761Tyr)

Genes: MYO5B (myosin VB; minus strand), SNHG22 (small nucleolar RNA host gene 22; plus strand). Cytogenetic location: 18q21.1.
Variant type: single nucleotide variant.
Coding change: c.5282G>A on transcript NM_001080467.3 (MANE Select); coding-DNA position 5282, G replaced by A.
Protein change: p.Cys1761Tyr; replaces cysteine 1761 with tyrosine.
Molecular consequence: missense variant.
Genome position (GRCh38, 1-based): chr18:49,836,742, C>T on the plus strand (G>A on the coding strand, the complement: MYO5B is on the minus strand). VCF-style: chr18-49836742-C-T. GRCh37 (hg19) VCF-style: chr18-47363112-C-T.
Other names: short protein forms C1761Y.
Identifiers: ClinVar variation 1346731 (VCV001346731.4), dbSNP rs771481649, ClinGen allele CA8960103.

ClinVar aggregate classification (germline): Uncertain significance (1 of 4 stars; one submission).

Allele frequency attached by ClinVar (database versions not stated): ExAC 0.00001; gnomAD 0.00001; gnomAD exomes 0.00002; TOPMed 0.00002.
gnomAD v4.1: 10 of 1,614,000 alleles (0.00062%); highest among the groups gnomAD compares: South Asian, 0.0022%; no homozygotes.

Submission:

Labcorp Genetics (formerly Invitae), Labcorp
Classification: Uncertain significance. Last evaluated: 2022-11-01. Review status: criteria provided, single submitter. Criteria: Invitae Variant Classification Sherloc (09022015). Collection method: clinical testing. Allele origin: germline.
Comment: This sequence change replaces cysteine, which is neutral and slightly polar, with tyrosine, which is neutral and polar, at codon 1761 of the MYO5B protein (p.Cys1761Tyr). In summary, the available evidence is currently insufficient to determine the role of this variant in disease. Therefore, it has been classified as a Variant of Uncertain Significance. Advanced modeling of protein sequence and biophysical properties (such as structural, functional, and spatial information, amino acid conservation, physicochemical variation, residue mobility, and thermodynamic stability) has been performed at Invitae for this missense variant, however the output from this modeling did not meet the statistical confidence thresholds required to predict the impact of this variant on MYO5B protein function. ClinVar contains an entry for this variant (Variation ID: 1346731). This variant has not been reported in the literature in individuals affected with MYO5B-related conditions. This variant is present in population databases (rs771481649, gnomAD 0.006%).